The following is an entry in ClinVar:

ClinVar aggregate classification (germline): Conflicting classifications of pathogenicity. Review status: criteria provided, conflicting classifications (1 of 4 stars). 2 submissions from 2 submitters: Uncertain significance (1); Likely benign (1). Last evaluated 2021-12-02.

Conditions:
Muscular dystrophy-dystroglycanopathy (congenital with brain and eye anomalies), type A2. Also called: MUSCULAR DYSTROPHY-DYSTROGLYCANOPATHY (CONGENITAL WITH BRAIN AND EYE ANOMALIES), TYPE A, 2; WALKER-WARBURG SYNDROME OR MUSCLE-EYE-BRAIN DISEASE, POMT2-RELATED. Identifiers: Orphanet 588, Orphanet 899, MedGen C3150411, MONDO:0013154, OMIM 613150.
Muscular dystrophy-dystroglycanopathy (congenital with impaired intellectual development), type B, 2. Also called: Muscular dystrophy-dystroglycanopathy (congenital with intellectual disability), type B2; MUSCULAR DYSTROPHY, CONGENITAL, POMT2-RELATED. Identifiers: MedGen C3150416, MONDO:0013160, OMIM 613156.
Autosomal recessive limb-girdle muscular dystrophy type 2N. Also called: MUSCULAR DYSTROPHY-DYSTROGLYCANOPATHY, LIMB-GIRDLE, POMT2-RELATED; Muscular dystrophy-dystroglycanopathy (limb-girdle), type C, 2. Identifiers: Orphanet 206559, MedGen C3150418, MONDO:0013162, OMIM 613158.

Allele frequency attached by ClinVar (database versions not stated): gnomAD exomes 0.00001.

Submissions (2):

Labcorp Genetics (formerly Invitae), Labcorp
Classification: Uncertain significance for Muscular dystrophy-dystroglycanopathy (congenital with impaired intellectual development), type B, 2; Muscular dystrophy-dystroglycanopathy (congenital with brain and eye anomalies), type A2; Autosomal recessive limb-girdle muscular dystrophy type 2N. Last evaluated: 2021-12-02. Review status: criteria provided, single submitter. Criteria: Invitae Variant Classification Sherloc (09022015). Collection method: clinical testing. Allele origin: germline.
Comment: This variant has not been reported in the literature in individuals affected with POMT2-related conditions. ClinVar contains an entry for this variant (Variation ID: 385744). Algorithms developed to predict the effect of sequence changes on RNA splicing suggest that this variant may create or strengthen a splice site. In summary, the available evidence is currently insufficient to determine the role of this variant in disease. Therefore, it has been classified as a Variant of Uncertain Significance. This variant is not present in population databases (gnomAD no frequency). This sequence change falls in intron 12 of the POMT2 gene. It does not directly change the encoded amino acid sequence of the POMT2 protein.

GeneDx
Classification: Likely benign. Last evaluated: 2016-05-26. Review status: criteria provided, single submitter. Criteria: GeneDx Variant Classification (06012015). Collection method: clinical testing. Allele origin: germline. Affected: yes.
Comment: This variant is considered likely benign or benign based on one or more of the following criteria: it is a conservative change, it occurs at a poorly conserved position in the protein, it is predicted to be benign by multiple in silico algorithms, and/or has population frequency not consistent with disease.

NM_013382.7(POMT2):c.1332+19T>G

Gene: POMT2 (protein O-mannosyltransferase 2; minus strand). Cytogenetic location: 14q24.3.
Variant type: single nucleotide variant.
Coding change: c.1332+19T>G on transcript NM_013382.7 (MANE Select); 19 bases into the intron after coding-DNA position 1332, T replaced by G.
Molecular consequence: intron variant.
Genome position (GRCh38, 1-based): chr14:77,286,725, A>C on the plus strand (T>G on the coding strand, the complement: POMT2 is on the minus strand). VCF-style: chr14-77286725-A-C. GRCh37 (hg19) VCF-style: chr14-77753068-A-C.
Identifiers: ClinVar variation 385744 (VCV000385744.9), dbSNP rs1057522317, ClinGen allele CA16607712.
Genomic context (GRCh38, chr14:77,286,725, plus strand): 5'-GAGGAGATATCCCACCACACAGCCCTGAGCCAAGGCCCATAACTTTTACGTCCTACTCAC[A>C]TCCCCGTTGCTTACTTACTATGCCATAGCCGGTGACCTGATAGTGCTTCCGGGTCATGGG-3'